The following is an entry in ClinVar:

ClinVar aggregate classification (germline): Uncertain significance (1 of 4 stars; one submission).

Conditions:
Inborn genetic diseases. Identifiers: MedGen C0950123, MeSH D030342.

Allele frequency attached by ClinVar (database versions not stated): gnomAD exomes below 0.00001.
gnomAD v4.1: 6 of 1,609,980 alleles (0.00037%); highest among the groups gnomAD compares: Admixed American, 0.0017%; no homozygotes.

Submission:

Ambry Genetics
Classification: Uncertain significance for Inborn genetic diseases. Last evaluated: 2022-04-25. Review status: criteria provided, single submitter. Criteria: Ambry Variant Classification Scheme 2023. Collection method: clinical testing. Allele origin: germline.
Comment: The p.D794H variant (also known as c.2380G>C), located in coding exon 11 of the ATR gene, results from a G to C substitution at nucleotide position 2380. The aspartic acid at codon 794 is replaced by histidine, an amino acid with similar properties. This amino acid position is conserved. In addition, this alteration is predicted to be tolerated by in silico analysis. Since supporting evidence is limited at this time, the clinical significance of this alteration remains unclear.

NM_001184.4(ATR):c.2380G>C (p.Asp794His)

Gene: ATR (ATR checkpoint kinase; minus strand). Cytogenetic location: 3q23.
Variant type: single nucleotide variant.
Coding change: c.2380G>C on transcript NM_001184.4 (MANE Select); coding-DNA position 2380, G replaced by C.
Protein change: p.Asp794His; replaces aspartic acid 794 with histidine.
Molecular consequence: missense variant.
Genome position (GRCh38, 1-based): chr3:142,553,977, C>G on the plus strand (G>C on the coding strand, the complement: ATR is on the minus strand). VCF-style: chr3-142553977-C-G. GRCh37 (hg19) VCF-style: chr3-142272819-C-G.
Other names: c.2188G>C, p.Asp730His (NM_001354579.2); short protein forms D730H, D794H.
Identifiers: ClinVar variation 1790445 (VCV001790445.2), dbSNP rs543336253, ClinGen allele CA2650370.